The following is an entry in ClinVar:

ClinVar aggregate classification (germline): Conflicting classifications of pathogenicity. Review status: criteria provided, conflicting classifications (1 of 4 stars). 3 submissions from 3 submitters: Uncertain significance (1); Likely benign (2). Last evaluated 2026-02-26.

Allele frequency attached by ClinVar (database versions not stated): TOPMed 0.00001; gnomAD 0.00003; gnomAD exomes 0.00003 and 0.00004; ExAC 0.00007; ESP Exome Variant Server 0.00008.
gnomAD v4.1: 58 of 1,614,104 alleles (0.0036%); highest among the groups gnomAD compares: Non-Finnish European, 0.0048%; no homozygotes.

Submissions (3):

GeneDx
Classification: Uncertain significance. Last evaluated: 2026-02-26. Review status: criteria provided, single submitter. Criteria: GeneDx Variant Classification Process June 2021. Collection method: clinical testing. Allele origin: germline.
Comment: Not observed at significant frequency in large population cohorts (gnomAD); In silico analysis suggests that this variant does not alter splicing; Has not been previously published as pathogenic or benign to our knowledge

Labcorp Genetics (formerly Invitae), Labcorp
Classification: Likely benign. Last evaluated: 2025-03-12. Review status: criteria provided, single submitter. Criteria: Invitae Variant Classification Sherloc (09022015). Collection method: clinical testing. Allele origin: germline.

Laboratory of Genetics, Children's Clinical University Hospital Latvia
Classification: Likely benign. Last evaluated: 2025-02-16. Review status: criteria provided, single submitter. Criteria: ACMG Guidelines, 2015. Collection method: clinical testing. Allele origin: germline. Affected: yes.

NM_004544.4(NDUFA10):c.417C>T (p.Arg139=)

Gene: NDUFA10 (NADH:ubiquinone oxidoreductase subunit A10; minus strand). Cytogenetic location: 2q37.3.
Variant type: single nucleotide variant.
Coding change: c.417C>T on transcript NM_004544.4 (MANE Select); coding-DNA position 417, C replaced by T.
Protein change: p.Arg139=; no amino-acid change (arginine 139 retained).
Molecular consequence: synonymous variant. On other transcripts: non-coding transcript variant (4).
Genome position (GRCh38, 1-based): chr2:240,021,240, G>A on the plus strand (C>T on the coding strand, the complement: NDUFA10 is on the minus strand). VCF-style: chr2-240021240-G-A. GRCh37 (hg19) VCF-style: chr2-240960657-G-A.
Other names: c.417C>T (NM_004544.3); c.417C>T, p.Arg139= (NM_001322019.2, NM_001322020.2).
Identifiers: ClinVar variation 1655375 (VCV001655375.11), dbSNP rs369243993, ClinGen allele CA2201062.